The following is an entry in ClinVar:

NM_005005.3(NDUFB9):c.140G>T (p.Arg47Leu)

Gene: NDUFB9 (NADH:ubiquinone oxidoreductase subunit B9; plus strand). Cytogenetic location: 8q24.13.
Variant type: single nucleotide variant.
Coding change: c.140G>T on transcript NM_005005.3 (MANE Select); coding-DNA position 140, G replaced by T.
Protein change: p.Arg47Leu; replaces arginine 47 with leucine.
Molecular consequence: missense variant. On other transcripts: 5 prime UTR variant (1).
Genome position (GRCh38, 1-based): chr8:124,543,125, G>T. VCF-style: chr8-124543125-G-T. GRCh37 (hg19) VCF-style: chr8-125555366-G-T.
Other names: c.-29G>T (NM_001278645.2); c.11G>T, p.Arg4Leu (NM_001278646.2); c.107G>T, p.Arg36Leu (NM_001311168.2); short protein forms R36L, R47L, R4L.
Identifiers: ClinVar variation 788790 (VCV000788790.17), dbSNP rs142723791, ClinGen allele CA4871480.

ClinVar aggregate classification (germline): Likely benign. Review status: criteria provided, multiple submitters, no conflicts (2 of 4 stars). 3 submissions from 3 submitters: Likely benign (3). Last evaluated 2026-01-02.

Allele frequency attached by ClinVar (database versions not stated): ExAC 0.00082; ESP Exome Variant Server 0.00246; gnomAD 0.00267 and 0.00287; TOPMed 0.00291; 1000 Genomes Project 30x 0.00406; 1000 Genomes Project 0.00439.
gnomAD v4.1: 875 of 1,614,176 alleles (0.054%); highest among the groups gnomAD compares: African/African-American, 1%; 2 homozygotes.

Submissions (3):

Labcorp Genetics (formerly Invitae), Labcorp
Classification: Likely benign. Last evaluated: 2026-01-02. Review status: criteria provided, single submitter. Criteria: Invitae Variant Classification Sherloc (09022015). Collection method: clinical testing. Allele origin: germline.

CeGaT Center for Human Genetics Tuebingen
Classification: Likely benign. Last evaluated: 2025-10-01. Review status: criteria provided, single submitter. Criteria: CeGaT Center For Human Genetics Tuebingen Variant Classification Criteria Version 2. Collection method: clinical testing. Allele origin: germline. Affected: yes. Observed: 1 variant allele.
Comment: NDUFB9: BS1

Breakthrough Genomics
Classification: Likely benign. Review status: criteria provided, single submitter. Criteria: ACMG Guidelines, 2015. Collection method: not provided. Allele origin: germline. Inheritance: Autosomal recessive inheritance. Affected: yes.